The following is an entry in ClinVar:

ClinVar aggregate classification (germline): Uncertain significance (1 of 4 stars; one submission).

Conditions:
Hereditary cancer-predisposing syndrome. Also called: Hereditary Cancer Syndrome; Neoplastic Syndromes, Hereditary; Tumor predisposition; Hereditary neoplastic syndrome. Identifiers: Orphanet 140162, MedGen C0027672, MeSH D009386, MONDO:0015356.

Submission:

Ambry Genetics
Classification: Uncertain significance for Hereditary cancer-predisposing syndrome. Last evaluated: 2022-03-31. Review status: criteria provided, single submitter. Criteria: Ambry Variant Classification Scheme 2023. Collection method: clinical testing. Allele origin: germline.
Comment: The p.D1723Y variant (also known as c.5167G>T), located in coding exon 23 of the DICER1 gene, results from a G to T substitution at nucleotide position 5167. The aspartic acid at codon 1723 is replaced by tyrosine, an amino acid with highly dissimilar properties. This amino acid position is conserved. In addition, this alteration is predicted to be deleterious by in silico analysis. Since supporting evidence is limited at this time, the clinical significance of this alteration remains unclear.

NM_177438.3(DICER1):c.5167G>T (p.Asp1723Tyr)

Gene: DICER1 (dicer 1, ribonuclease III; minus strand). Cytogenetic location: 14q32.13.
Variant type: single nucleotide variant.
Coding change: c.5167G>T on transcript NM_177438.3 (MANE Select); coding-DNA position 5167, G replaced by T.
Protein change: p.Asp1723Tyr; replaces aspartic acid 1723 with tyrosine.
Molecular consequence: missense variant. On other transcripts: non-coding transcript variant (6).
Genome position (GRCh38, 1-based): chr14:95,094,085, C>A on the plus strand (G>T on the coding strand, the complement: DICER1 is on the minus strand). VCF-style: chr14-95094085-C-A. GRCh37 (hg19) VCF-style: chr14-95560422-C-A.
Other names: c.5167G>T, p.Asp1723Tyr (NM_001195573.1, NM_001271282.3, NM_001291628.2 and 9 more transcripts); c.4885G>T, p.Asp1629Tyr (NM_001395686.1); c.4762G>T, p.Asp1588Tyr (NM_001395687.1, NM_001395688.1, NM_001395689.1 and 1 more transcripts); c.4600G>T, p.Asp1534Tyr (NM_001395691.1); c.3484G>T, p.Asp1162Tyr (NM_001395697.1); short protein forms D1723Y, D1162Y, D1534Y, D1588Y, D1629Y.
Identifiers: ClinVar variation 1745757 (VCV001745757.2), dbSNP rs2139814815, ClinGen allele CA390865293.